The following is an entry in ClinVar:

NM_001242896.3(DEPDC5):c.2008C>T (p.His670Tyr)

Gene: DEPDC5 (DEP domain containing 5, GATOR1 subcomplex subunit; plus strand). Cytogenetic location: 22q12.3.
Variant type: single nucleotide variant.
Coding change: c.2008C>T on transcript NM_001242896.3 (MANE Select); coding-DNA position 2008, C replaced by T.
Protein change: p.His670Tyr; replaces histidine 670 with tyrosine.
Molecular consequence: missense variant. On other transcripts: non-coding transcript variant (4), intron variant (3).
Genome position (GRCh38, 1-based): chr22:31,822,694, C>T. VCF-style: chr22-31822694-C-T. GRCh37 (hg19) VCF-style: chr22-32218680-C-T.
Other names: c.2008C>T, p.His670Tyr (NM_001136029.4, NM_001363852.2, NM_001364318.2 and 3 more transcripts); c.1924C>T, p.His642Tyr (NM_001369901.1, NM_001369902.1); c.1870+3469C>T (NM_001363854.2, NM_001242897.2, NM_001364319.2); short protein forms H642Y, H670Y.
Identifiers: ClinVar variation 3366215 (VCV003366215.1).
Genomic context (GRCh38, chr22:31,822,694, plus strand): 5'-GCAGGAAAAAGAGGTGATGATCTACATTAAGCCAGGTGGCTGGGCTCTGTTCTCTGCAGG[C>T]ACAGCAATTCCCGCCAGCCTGGTGACGGCATGTCCTTCTTGAACTTCAGTGGAACAGAGG-3'
Protein context (NP_001229825.1, residues 660-680): ELAYHEAAGR[His670Tyr]SNSRQPGDGM

ClinVar aggregate classification (germline): Uncertain significance (1 of 4 stars; one submission).

gnomAD v4.1: 2 of 1,613,900 alleles (0.00012%); highest among the groups gnomAD compares: South Asian, 0.0022%; no homozygotes.

Submission:

GeneDx
Classification: Uncertain significance. Last evaluated: 2023-11-01. Review status: criteria provided, single submitter. Criteria: GeneDx Variant Classification Process June 2021. Collection method: clinical testing. Allele origin: germline. Affected: yes.
Comment: Not observed at significant frequency in large population cohorts (gnomAD); In silico analysis supports that this missense variant does not alter protein structure/function; Has not been previously published as pathogenic or benign to our knowledge